The following is an entry in ClinVar:

NM_172351.3(CD46):c.625T>C (p.Tyr209His)

Gene: CD46 (CD46 molecule; plus strand). Cytogenetic location: 1q32.2.
Variant type: single nucleotide variant.
Coding change: c.625T>C on transcript NM_172351.3 (MANE Select); coding-DNA position 625, T replaced by C.
Protein change: p.Tyr209His; replaces tyrosine 209 with histidine.
Molecular consequence: missense variant.
Genome position (GRCh38, 1-based): chr1:207,761,398, T>C. VCF-style: chr1-207761398-T-C. GRCh37 (hg19) VCF-style: chr1-207934743-T-C.
Other names: c.625T>C, p.Tyr209His (NM_172353.3, NM_172355.3, NM_172356.3 and 8 more transcripts); short protein forms Y209H.
Identifiers: ClinVar variation 3719945 (VCV003719945.2).
Genomic context (GRCh38, chr1:207,761,398, plus strand): 5'-TATAGTTGTGATCCTGCACCTGGACCAGATCCATTTTCACTTATTGGAGAGAGCACGATT[T>C]ATTGTGGTGACAATTCAGTGTGGAGTCGTGCTGCTCCAGAGTGTAAAGGTAGTGTTTCAA-3'
Protein context (NP_758861.1, residues 199-219): PFSLIGESTI[Tyr209His]CGDNSVWSRA

ClinVar aggregate classification (germline): Uncertain significance (1 of 4 stars; one submission).

gnomAD v4.1: 1 of 1,614,176 alleles (0.000062%); highest among the groups gnomAD compares: Non-Finnish European, 0.000085%; no homozygotes.

Submission:

Labcorp Genetics (formerly Invitae), Labcorp
Classification: Uncertain significance. Last evaluated: 2025-10-21. Review status: criteria provided, single submitter. Criteria: Invitae Variant Classification Sherloc (09022015). Collection method: clinical testing. Allele origin: germline.
Comment: This sequence change replaces tyrosine, which is neutral and polar, with histidine, which is basic and polar, at codon 209 of the CD46 protein (p.Tyr209His). This variant is not present in population databases (gnomAD no frequency). This variant has not been reported in the literature in individuals affected with CD46-related conditions. ClinVar contains an entry for this variant (Variation ID: 3719945). Invitae Evidence Modeling of protein sequence and biophysical properties (such as structural, functional, and spatial information, amino acid conservation, physicochemical variation, residue mobility, and thermodynamic stability) indicates that this missense variant is not expected to disrupt CD46 protein function with a negative predictive value of 80%. In summary, the available evidence is currently insufficient to determine the role of this variant in disease. Therefore, it has been classified as a Variant of Uncertain Significance.